The following is an entry in ClinVar:

ClinVar aggregate classification (germline): Benign. Review status: criteria provided, single submitter (1 of 4 stars). 2 submissions from 2 submitters: Benign (1). 1 of the submissions does not count toward it. Last evaluated 2026-01-26.

Conditions:
NYNRIN-related disorder. Also called: NYNRIN-related condition.

Allele frequency attached by ClinVar (database versions not stated): 1000 Genomes Project 0.00020; TOPMed 0.00031; 1000 Genomes Project 30x 0.00016; gnomAD 0.00023; gnomAD exomes 0.00007; ExAC 0.00021.
gnomAD v4.1: 193 of 1,613,724 alleles (0.012%); highest among the groups gnomAD compares: East Asian, 0.25%; 1 homozygote.

Submissions (2):

Labcorp Genetics (formerly Invitae), Labcorp
Classification: Benign. Last evaluated: 2026-01-26. Review status: criteria provided, single submitter. Criteria: Invitae Variant Classification Sherloc (09022015). Collection method: clinical testing. Allele origin: germline.

PreventionGenetics, part of Exact Sciences
Classification: Likely benign for NYNRIN-related condition. Last evaluated: 2021-03-23. Review status: no assertion criteria provided. Collection method: clinical testing. Allele origin: germline. Not counted in ClinVar's aggregate classification.
Comment: This variant is classified as likely benign based on ACMG/AMP sequence variant interpretation guidelines (Richards et al. 2015 PMID: 25741868, with internal and published modifications).

NM_025081.3(NYNRIN):c.4590G>A (p.Lys1530=)

Gene: NYNRIN (NYN domain and retroviral integrase containing; plus strand). Cytogenetic location: 14q12.
Variant type: single nucleotide variant.
Coding change: c.4590G>A on transcript NM_025081.3 (MANE Select); coding-DNA position 4590, G replaced by A.
Protein change: p.Lys1530=; no amino-acid change (lysine 1530 retained).
Molecular consequence: synonymous variant.
Genome position (GRCh38, 1-based): chr14:24,416,339, G>A. VCF-style: chr14-24416339-G-A. GRCh37 (hg19) VCF-style: chr14-24885545-G-A.
Identifiers: ClinVar variation 3047016 (VCV003047016.4), dbSNP rs368816036, ClinGen allele CA7137458.